The following is an entry in ClinVar:

ClinVar aggregate classification (germline): Uncertain significance (1 of 4 stars; one submission).

Allele frequency attached by ClinVar (database versions not stated): TOPMed below 0.00001; gnomAD 0.00001.
gnomAD v4.1: 1 of 1,613,306 alleles (0.000062%); highest among the groups gnomAD compares: Admixed American, 0.0017%; no homozygotes.

Submission:

Labcorp Genetics (formerly Invitae), Labcorp
Classification: Uncertain significance. Last evaluated: 2024-11-12. Review status: criteria provided, single submitter. Criteria: Invitae Variant Classification Sherloc (09022015). Collection method: clinical testing. Allele origin: germline.
Comment: This sequence change replaces proline, which is neutral and non-polar, with leucine, which is neutral and non-polar, at codon 83 of the ADAMTSL4 protein (p.Pro83Leu). This variant is not present in population databases (gnomAD no frequency). This variant has not been reported in the literature in individuals affected with ADAMTSL4-related conditions. ClinVar contains an entry for this variant (Variation ID: 1351864). Invitae Evidence Modeling of protein sequence and biophysical properties (such as structural, functional, and spatial information, amino acid conservation, physicochemical variation, residue mobility, and thermodynamic stability) indicates that this missense variant is not expected to disrupt ADAMTSL4 protein function with a negative predictive value of 80%. In summary, the available evidence is currently insufficient to determine the role of this variant in disease. Therefore, it has been classified as a Variant of Uncertain Significance.

NM_019032.6(ADAMTSL4):c.248C>T (p.Pro83Leu)

Genes: ADAMTSL4 (ADAMTS like 4; plus strand), ADAMTSL4-AS2 (ADAMTSL4 antisense RNA 2; minus strand). Cytogenetic location: 1q21.2.
Variant type: single nucleotide variant.
Coding change: c.248C>T on transcript NM_019032.6 (MANE Select); coding-DNA position 248, C replaced by T.
Protein change: p.Pro83Leu; replaces proline 83 with leucine.
Molecular consequence: missense variant.
Genome position (GRCh38, 1-based): chr1:150,553,067, C>T. VCF-style: chr1-150553067-C-T. GRCh37 (hg19) VCF-style: chr1-150525543-C-T.
Other names: c.248C>T, p.Pro83Leu (NM_001288607.2, NM_001288608.2, NM_001378596.1 and 1 more transcripts); short protein forms P83L.
Identifiers: ClinVar variation 1351864 (VCV001351864.6), dbSNP rs1165572545, ClinGen allele CA342299236.